The following is an entry in ClinVar:

NM_001018113.3(FANCB):c.424A>C (p.Ile142Leu)

Gene: FANCB (FA complementation group B; minus strand). Cytogenetic location: Xp22.2.
Variant type: single nucleotide variant.
Coding change: c.424A>C on transcript NM_001018113.3 (MANE Select); coding-DNA position 424, A replaced by C.
Protein change: p.Ile142Leu; replaces isoleucine 142 with leucine.
Molecular consequence: missense variant.
Genome position (GRCh38, 1-based): chrX:14,865,087, T>G on the plus strand (A>C on the coding strand, the complement: FANCB is on the minus strand). VCF-style: chrX-14865087-T-G. GRCh37 (hg19) VCF-style: chrX-14883209-T-G.
Other names: c.424A>C, p.Ile142Leu (NM_001324162.2, NM_001410764.1, NM_152633.4); short protein forms I142L.
Identifiers: ClinVar variation 4805789 (VCV004805789.1).

ClinVar aggregate classification (germline): Uncertain significance (1 of 4 stars; one submission).

Conditions:
Fanconi anemia (FA). Also called: Fanconi's anemia. Identifiers: Orphanet 84, MedGen C0015625, MeSH D005199, MONDO:0019391.

Submission:

Labcorp Genetics (formerly Invitae), Labcorp
Classification: Uncertain significance for Fanconi anemia. Last evaluated: 2025-02-26. Review status: criteria provided, single submitter. Criteria: Invitae Variant Classification Sherloc (09022015). Collection method: clinical testing. Allele origin: germline.
Comment: This sequence change replaces isoleucine, which is neutral and non-polar, with leucine, which is neutral and non-polar, at codon 142 of the FANCB protein (p.Ile142Leu). This variant is not present in population databases (gnomAD no frequency). This variant has not been reported in the literature in individuals affected with FANCB-related conditions. Invitae Evidence Modeling of protein sequence and biophysical properties (such as structural, functional, and spatial information, amino acid conservation, physicochemical variation, residue mobility, and thermodynamic stability) indicates that this missense variant is not expected to disrupt FANCB protein function with a negative predictive value of 80%. In summary, the available evidence is currently insufficient to determine the role of this variant in disease. Therefore, it has been classified as a Variant of Uncertain Significance.